The following is an entry in ClinVar:

NM_001081.4(CUBN):c.8320T>A (p.Ser2774Thr)

Gene: CUBN (cubilin; minus strand). Cytogenetic location: 10p13.
Variant type: single nucleotide variant.
Coding change: c.8320T>A on transcript NM_001081.4 (MANE Select); coding-DNA position 8320, T replaced by A.
Protein change: p.Ser2774Thr; replaces serine 2774 with threonine.
Molecular consequence: missense variant.
Genome position (GRCh38, 1-based): chr10:16,900,715, A>T on the plus strand (T>A on the coding strand, the complement: CUBN is on the minus strand). VCF-style: chr10-16900715-A-T. GRCh37 (hg19) VCF-style: chr10-16942714-A-T.
Other names: short protein forms S2774T.
Identifiers: ClinVar variation 3680494 (VCV003680494.2).

ClinVar aggregate classification (germline): Uncertain significance (1 of 4 stars; one submission).

Conditions:
Imerslund-Grasbeck syndrome. Also called: Imerslund-Gräsbeck syndrome; ENTEROCYTE COBALAMIN MALABSORPTION; ENTEROCYTE INTRINSIC FACTOR RECEPTOR, DEFECT OF; PERNICIOUS ANEMIA, JUVENILE, DUE TO SELECTIVE INTESTINAL MALABSORPTION OF VITAMIN B12, WITH PROTEINURIA; Megaloblastic anemia due to inborn errors of metabolism. Identifiers: Orphanet 35858, MedGen C4551825, MONDO:0009853.

gnomAD v4.1: 6 of 1,614,156 alleles (0.00037%); highest among the groups gnomAD compares: Non-Finnish European, 0.00034%; no homozygotes.

Submission:

Labcorp Genetics (formerly Invitae), Labcorp
Classification: Uncertain significance for Imerslund-Grasbeck syndrome. Last evaluated: 2024-06-22. Review status: criteria provided, single submitter. Criteria: Invitae Variant Classification Sherloc (09022015). Collection method: clinical testing. Allele origin: germline.
Comment: This sequence change replaces serine, which is neutral and polar, with threonine, which is neutral and polar, at codon 2774 of the CUBN protein (p.Ser2774Thr). This variant is not present in population databases (gnomAD no frequency). This variant has not been reported in the literature in individuals affected with CUBN-related conditions. Advanced modeling of protein sequence and biophysical properties (such as structural, functional, and spatial information, amino acid conservation, physicochemical variation, residue mobility, and thermodynamic stability) performed at Invitae indicates that this missense variant is not expected to disrupt CUBN protein function with a negative predictive value of 80%. In summary, the available evidence is currently insufficient to determine the role of this variant in disease. Therefore, it has been classified as a Variant of Uncertain Significance.